The following is an entry in ClinVar:

ClinVar aggregate classification (germline): Conflicting classifications of pathogenicity. Review status: criteria provided, conflicting classifications (1 of 4 stars). 9 submissions from 9 submitters: Uncertain significance (1); Benign (4); Likely benign (4). Last evaluated 2026-01-28.

Conditions:
Cardiovascular phenotype. Identifiers: MedGen CN230736.
Dilated cardiomyopathy 1M (CMD1M). Identifiers: Orphanet 154, MedGen C1843808, MONDO:0011840, OMIM 607482.
Hypertrophic cardiomyopathy 12. Identifiers: MedGen C2677491, MONDO:0012804, OMIM 612124.
Cardiomyopathy (CMYO). Also called: Cardiomyopathies. Identifiers: Orphanet 167848, MedGen C0878544, MONDO:0004994, HP:0001638. Inheritance: Various modes of inheritance.

Allele frequency attached by ClinVar (database versions not stated): gnomAD exomes 0.00022; ExAC 0.00031; 1000 Genomes Project 0.00080; 1000 Genomes Project 30x 0.00094; TOPMed 0.00096; gnomAD 0.00097 and 0.00104; ESP Exome Variant Server 0.00123.
gnomAD v4.1: 298 of 1,613,074 alleles (0.018%); highest among the groups gnomAD compares: African/African-American, 0.31%; 1 homozygote.

Submissions (9):

Labcorp Genetics (formerly Invitae), Labcorp
Classification: Benign for Hypertrophic cardiomyopathy 12; Dilated cardiomyopathy 1M. Last evaluated: 2026-01-28. Review status: criteria provided, single submitter. Criteria: Invitae Variant Classification Sherloc (09022015). Collection method: clinical testing. Allele origin: germline.

Molecular Diagnostic Laboratory for Inherited Cardiovascular Disease, Montreal Heart Institute
Classification: Likely benign. Last evaluated: 2025-04-09. Review status: criteria provided, single submitter. Criteria: ACMG Guidelines, 2015. Collection method: clinical testing. Allele origin: germline. Affected: no.

ARUP Laboratories, Molecular Genetics and Genomics, ARUP Laboratories
Classification: Benign. Last evaluated: 2025-04-08. Review status: criteria provided, single submitter. Criteria: ARUP Molecular Germline Variant Investigation Process 2024. Collection method: clinical testing. Allele origin: germline.

Blueprint Genetics
Classification: Likely benign. Last evaluated: 2024-08-28. Review status: criteria provided, single submitter. Criteria: ACMG Guidelines, 2015. Collection method: clinical testing. Allele origin: germline.

Women's Health and Genetics/Laboratory Corporation of America, LabCorp
Classification: Benign. Last evaluated: 2019-08-30. Review status: criteria provided, single submitter. Criteria: LabCorp Variant Classification Summary - May 2015. Collection method: clinical testing. Allele origin: germline.

Illumina Laboratory Services, Illumina
Classification: Uncertain significance for Hypertrophic cardiomyopathy 12. Last evaluated: 2017-04-27. Review status: criteria provided, single submitter. Criteria: ICSL Variant Classification Criteria 13 December 2019. Collection method: clinical testing. Allele origin: germline.

Ambry Genetics
Classification: Likely benign for Cardiovascular phenotype. Last evaluated: 2016-05-26. Review status: criteria provided, single submitter. Criteria: Ambry Variant Classification Scheme 2023. Collection method: clinical testing. Allele origin: germline.

CHEO Genetics Diagnostic Laboratory, Children's Hospital of Eastern Ontario
Classification: Likely benign for Cardiomyopathy. Last evaluated: 2015-12-30. Review status: criteria provided, single submitter. Criteria: ACMG Guidelines, 2015. Collection method: clinical testing. Allele origin: germline. Study: Canadian Open Genetics Repository.

GeneDx
Classification: Benign. Last evaluated: 2014-05-29. Review status: criteria provided, single submitter. Criteria: GeneDx Variant Classification (06012015). Collection method: clinical testing. Allele origin: germline. Affected: yes.
Comment: This variant is considered likely benign or benign based on one or more of the following criteria: it is a conservative change, it occurs at a poorly conserved position in the protein, it is predicted to be benign by multiple in silico algorithms, and/or has population frequency not consistent with disease.

NM_003476.5(CSRP3):c.162G>A (p.Ser54=)

Gene: CSRP3 (cysteine and glycine rich protein 3; minus strand). Cytogenetic location: 11p15.1.
Variant type: single nucleotide variant.
Coding change: c.162G>A on transcript NM_003476.5 (MANE Select); coding-DNA position 162, G replaced by A.
Protein change: p.Ser54=; no amino-acid change (serine 54 retained).
Molecular consequence: synonymous variant. On other transcripts: intron variant (1).
Genome position (GRCh38, 1-based): chr11:19,188,255, C>T on the plus strand (G>A on the coding strand, the complement: CSRP3 is on the minus strand). VCF-style: chr11-19188255-C-T. GRCh37 (hg19) VCF-style: chr11-19209802-C-T.
Other names: p.S54S:TCG>TCA; c.113-1907G>A (NM_001369404.1); c.162G>A (LRG_440t1).
Identifiers: ClinVar variation 137035 (VCV000137035.25), dbSNP rs112848043, ClinGen allele CA333056.